The following is an entry in ClinVar:

ClinVar aggregate classification (germline): Conflicting classifications of pathogenicity. Review status: criteria provided, conflicting classifications (1 of 4 stars). 6 submissions from 6 submitters: Likely pathogenic (1); Uncertain significance (5). Last evaluated 2026-05-01.

Conditions:
Cardiac arrhythmia. Also called: Cardiac rhythm disease; Arrhythmia. Identifiers: MedGen C0003811, MONDO:0007263, HP:0011675.
Cardiovascular phenotype. Identifiers: MedGen CN230736.
Long QT syndrome (LQTS). Identifiers: MedGen C0023976, MeSH D008133, MONDO:0002442. Disease mechanism: loss of function. Inheritance: Various modes of inheritance.

Allele frequency attached by ClinVar (database versions not stated): gnomAD 0.00001 and 0.00002; TOPMed 0.00002.
gnomAD v4.1: 9 of 1,612,428 alleles (0.00056%); highest among the groups gnomAD compares: African/African-American, 0.0013%; no homozygotes.

Submissions (6):

CeGaT Center for Human Genetics Tuebingen
Classification: Likely pathogenic. Last evaluated: 2026-05-01. Review status: criteria provided, single submitter. Criteria: CeGaT Center For Human Genetics Tuebingen Variant Classification Criteria Version 2. Collection method: clinical testing. Allele origin: germline. Affected: yes. Observed: 1 variant allele.
Comment: KCNQ1: PM1, PM2, PP1, PS3:Supporting

Ambry Genetics
Classification: Uncertain significance for Cardiovascular phenotype. Last evaluated: 2025-10-30. Review status: criteria provided, single submitter. Criteria: Ambry Variant Classification Scheme 2023. Collection method: clinical testing. Allele origin: germline.
Comment: The p.V185M variant (also known as c.553G>A), located in coding exon 3 of the KCNQ1 gene, results from a G to A substitution at nucleotide position 553. The valine at codon 185 is replaced by methionine, an amino acid with highly similar properties. This variant has been reported in an arrhythmia cohort, though clinical details were limited (Li X et al. Ann Hum Genet, 2020 Mar;84:161-168). This variant has also been reported in a family with gingival overgrowth (Bauer CK et al. Int J Mol Sci, 2022 Aug;23:). This amino acid position is highly conserved in available vertebrate species. In addition, this alteration is predicted to be deleterious by in silico analysis. Based on the available evidence, the clinical significance of this variant remains unclear.

GeneDx
Classification: Uncertain significance. Last evaluated: 2025-02-13. Review status: criteria provided, single submitter. Criteria: GeneDx Variant Classification Process June 2021. Collection method: clinical testing. Allele origin: germline. Affected: yes.
Comment: Reported in a patient with unspecified cardiovascular disease in published literature (PMID: 31696929); Reported in multiple individuals belonging to a single family with early-onset gingival overgrowth in published literature (PMID: 36077086); Not observed at significant frequency in large population cohorts (gnomAD); In silico analysis indicates that this missense variant does not alter protein structure/function; This variant is associated with the following publications: (PMID: 36077086, 31696929)

Labcorp Genetics (formerly Invitae), Labcorp
Classification: Uncertain significance for Long QT syndrome. Last evaluated: 2024-09-16. Review status: criteria provided, single submitter. Criteria: Invitae Variant Classification Sherloc (09022015). Collection method: clinical testing. Allele origin: germline.
Comment: This sequence change replaces valine, which is neutral and non-polar, with methionine, which is neutral and non-polar, at codon 185 of the KCNQ1 protein (p.Val185Met). The frequency data for this variant in the population databases is considered unreliable, as metrics indicate poor data quality at this position in the gnomAD database. This variant has not been reported in the literature in individuals affected with KCNQ1-related conditions. ClinVar contains an entry for this variant (Variation ID: 919842). Invitae Evidence Modeling of protein sequence and biophysical properties (such as structural, functional, and spatial information, amino acid conservation, physicochemical variation, residue mobility, and thermodynamic stability) has been performed for this missense variant. However, the output from this modeling did not meet the statistical confidence thresholds required to predict the impact of this variant on KCNQ1 protein function. Experimental studies have shown that this missense change affects KCNQ1 function (PMID: 36077086). In summary, the available evidence is currently insufficient to determine the role of this variant in disease. Therefore, it has been classified as a Variant of Uncertain Significance.

All of Us Research Program, National Institutes of Health
Classification: Uncertain significance for Long QT syndrome. Last evaluated: 2024-03-24. Review status: criteria provided, single submitter. Criteria: ACMG Guidelines, 2015. Collection method: clinical testing. Allele origin: germline. Inheritance: Autosomal dominant inheritance. Observed: 2 variant alleles, 2 heterozygotes.
Comment: This missense variant replaces valine with methionine at codon 185 of the KCNQ1 protein. Computational prediction is inconclusive regarding the impact of this variant on protein structure and function (internally defined REVEL score threshold 0.5 < inconclusive < 0.7, PMID: 27666373). A functional study has shown that this variant causes an increase of channel current upon co-expression of KCNE2 in CHO cells (PMID: 36077086). This variant has been reported in an individual affected with non-arrhythmic cardiovascular disease (PMID: 31696929), and in three related individuals affected with gingival overgrowth (PMID: 36077086). This variant has been identified in 3/249674 chromosomes in the general population by the Genome Aggregation Database (gnomAD). The available evidence is insufficient to determine the role of this variant in disease conclusively. Therefore, this variant is classified as a Variant of Uncertain Significance.

This study involves interpretation of variants in research participants for the purpose of population health screening. Participant phenotype was not available at the time of variant classification. Additional details can be found in publication PMID: 35346344, PMCID: PMC8962531

Color Diagnostics, LLC DBA Color Health
Classification: Uncertain significance for Cardiac arrhythmia. Last evaluated: 2024-02-16. Review status: criteria provided, single submitter. Criteria: ACMG Guidelines, 2015. Collection method: clinical testing. Allele origin: germline.
Comment: This missense variant replaces valine with methionine at codon 185 of the KCNQ1 protein. Computational prediction is inconclusive regarding the impact of this variant on protein structure and function (internally defined REVEL score threshold 0.5 < inconclusive < 0.7, PMID: 27666373). A functional study has shown that this variant causes an increase of channel current upon co-expression of KCNE2 in CHO cells (PMID: 36077086). This variant has been reported in an individual affected with non-arrhythmic cardiovascular disease (PMID: 31696929), and in three related individuals affected with gingival overgrowth (PMID: 36077086). This variant has been identified in 3/249674 chromosomes in the general population by the Genome Aggregation Database (gnomAD). The available evidence is insufficient to determine the role of this variant in disease conclusively. Therefore, this variant is classified as a Variant of Uncertain Significance.

Literature cited by the submitters: PubMed 31696929 (cited by 3 submitters); PubMed 36077086 (cited by 4 submitters).

NM_000218.3(KCNQ1):c.553G>A (p.Val185Met)

Gene: KCNQ1 (potassium voltage-gated channel subfamily Q member 1; plus strand). Cytogenetic location: 11p15.5.
Variant type: single nucleotide variant.
Coding change: c.553G>A on transcript NM_000218.3 (MANE Select); coding-DNA position 553, G replaced by A.
Protein change: p.Val185Met; replaces valine 185 with methionine.
Molecular consequence: missense variant.
Genome position (GRCh38, 1-based): chr11:2,570,703, G>A. VCF-style: chr11-2570703-G-A. GRCh37 (hg19) VCF-style: chr11-2591933-G-A.
Other names: c.553G>A, p.Val185Met (NM_001406836.1); c.283G>A, p.Val95Met (NM_001406837.1); c.172G>A, p.Val58Met (NM_181798.2); short protein forms V185M, V58M, V95M.
Identifiers: ClinVar variation 919842 (VCV000919842.17), dbSNP rs749351255, ClinGen allele CA038335.